The following is an entry in ClinVar:

ClinVar aggregate classification (germline): Likely benign. Review status: criteria provided, multiple submitters, no conflicts (2 of 4 stars). 3 submissions from 3 submitters: Likely benign (3). Last evaluated 2025-01-29.

Conditions:
Cardiovascular phenotype. Identifiers: MedGen CN230736.
Telangiectasia, hereditary hemorrhagic, type 5 (HHT5). Identifiers: Orphanet 774, MedGen C3809710, MONDO:0014217, OMIM 615506.

Allele frequency attached by ClinVar (database versions not stated): gnomAD 0.00002 and 0.00001; gnomAD exomes 0.00002; TOPMed below 0.00001; ExAC 0.00002.
gnomAD v4.1: 19 of 1,614,050 alleles (0.0012%); highest among the groups gnomAD compares: Middle Eastern, 0.082%; no homozygotes.

Submissions (3):

Labcorp Genetics (formerly Invitae), Labcorp
Classification: Likely benign for Telangiectasia, hereditary hemorrhagic, type 5. Last evaluated: 2025-01-29. Review status: criteria provided, single submitter. Criteria: Invitae Variant Classification Sherloc (09022015). Collection method: clinical testing. Allele origin: germline.

Ambry Genetics
Classification: Likely benign for Cardiovascular phenotype. Last evaluated: 2024-12-07. Review status: criteria provided, single submitter. Criteria: Ambry Variant Classification Scheme 2023. Collection method: clinical testing. Allele origin: germline.

GeneDx
Classification: Likely benign. Last evaluated: 2018-05-17. Review status: criteria provided, single submitter. Criteria: GeneDx Variant Classification (06012015). Collection method: clinical testing. Allele origin: germline. Affected: yes.
Comment: This variant is considered likely benign or benign based on one or more of the following criteria: it is a conservative change, it occurs at a poorly conserved position in the protein, it is predicted to be benign by multiple in silico algorithms, and/or has population frequency not consistent with disease.

NM_016204.4(GDF2):c.792G>C (p.Gly264=)

Gene: GDF2 (growth differentiation factor 2; plus strand). Cytogenetic location: 10q11.22.
Variant type: single nucleotide variant.
Coding change: c.792G>C on transcript NM_016204.4 (MANE Select); coding-DNA position 792, G replaced by C.
Protein change: p.Gly264=; no amino-acid change (glycine 264 retained).
Molecular consequence: synonymous variant.
Genome position (GRCh38, 1-based): chr10:47,325,286, G>C. VCF-style: chr10-47325286-G-C. GRCh37 (hg19) VCF-style: chr10-48414076-C-G.
Other names: c.792G>C (NM_016204.1).
Identifiers: ClinVar variation 668456 (VCV000668456.10), dbSNP rs781907754, ClinGen allele CA5488020.